The following is an entry in ClinVar:

NM_001308210.2(TSHZ1):c.2372C>G (p.Pro791Arg)

Gene: TSHZ1 (teashirt zinc finger homeobox 1; plus strand). Cytogenetic location: 18q22.3.
Variant type: single nucleotide variant.
Coding change: c.2372C>G on transcript NM_001308210.2 (MANE Select); coding-DNA position 2372, C replaced by G.
Protein change: p.Pro791Arg; replaces proline 791 with arginine.
Molecular consequence: missense variant.
Genome position (GRCh38, 1-based): chr18:75,287,779, C>G. VCF-style: chr18-75287779-C-G. GRCh37 (hg19) VCF-style: chr18-72999734-C-G.
Other names: c.2237C>G, p.Pro746Arg (NM_005786.6); short protein forms P746R, P791R.
Identifiers: ClinVar variation 3043215 (VCV003043215.4), dbSNP rs141280995, ClinGen allele CA9002271.
Genomic context (GRCh38, chr18:75,287,779, plus strand): 5'-TGGCGATGCTGTACAAGATCAGCAACAGCATGCTGGACAAGCCGGTGTACCCCGCCACCC[C>G]TGTGAAGCAGGCCGATGCCATCGACCGCTACTATTATGAAAACAGCGACCAGCCCATTGA-3'
Protein context (NP_001295139.1, residues 781-801): MLDKPVYPAT[Pro791Arg]VKQADAIDRY

ClinVar aggregate classification (germline): Conflicting classifications of pathogenicity. Review status: criteria provided, conflicting classifications (1 of 4 stars). 3 submissions from 3 submitters: Uncertain significance (1); Likely benign (1). 1 of the submissions does not count toward it. Last evaluated 2026-08-06.

Conditions:
TSHZ1-related disorder. Also called: TSHZ1-related condition.

Allele frequency attached by ClinVar (database versions not stated): gnomAD exomes 0.00053; ExAC 0.00057; gnomAD 0.00099; TOPMed 0.00123 and 0.00155; ESP Exome Variant Server 0.00161; 1000 Genomes Project 30x 0.00172; 1000 Genomes Project 0.00180.
gnomAD v4.1: 680 of 1,614,208 alleles (0.042%); highest among the groups gnomAD compares: African/African-American, 0.36%; 1 homozygote.

Submissions (3):

OLLIN Analises Genomicas, OLLIN
Classification: Uncertain significance. Last evaluated: 2026-08-06. Review status: criteria provided, single submitter. Criteria: ACMG Guidelines 2015 PMID 25741868. Collection method: clinical testing. Allele origin: germline.
Comment: This missense variant, located in exon 2 (of 2), has been reported in ClinVar (accession VCV003043215.2) and in gnomAD with an allele frequency of 0.042%. However, to our knowledge, it has not been reported in the scientific literature. In silico analysis is inconclusive regarding the impact of this variant. According to the currently available evidence, this variant has been classified as uncertain significance (BS1).

Blueprint Genetics
Classification: Likely benign. Last evaluated: 2024-09-04. Review status: criteria provided, single submitter. Criteria: ACMG Guidelines, 2015. Collection method: clinical testing. Allele origin: germline.

PreventionGenetics, part of Exact Sciences
Classification: Likely benign for TSHZ1-related condition. Last evaluated: 2019-08-01. Review status: no assertion criteria provided. Collection method: clinical testing. Allele origin: germline. Not counted in ClinVar's aggregate classification.
Comment: This variant is classified as likely benign based on ACMG/AMP sequence variant interpretation guidelines (Richards et al. 2015 PMID: 25741868, with internal and published modifications).